The following is an entry in ClinVar:

ClinVar aggregate classification (germline): Pathogenic/Likely pathogenic. Review status: criteria provided, multiple submitters, no conflicts (2 of 4 stars). 2 submissions from 2 submitters: Pathogenic (1); Likely pathogenic (1). Last evaluated 2025-09-30.

Conditions:
Renal tubulopathies.
Neurodevelopmental delay. Identifiers: MedGen C4022738, HP:0012758.

Submissions (2):

Genetics Laboratory, Great Ormond Street Hospital NHS Foundation Trust, North Thames Genomic Laboratory Hub
Classification: Likely pathogenic for Renal tubulopathies. Last evaluated: 2025-09-30. Review status: criteria provided, single submitter. Criteria: ACGS Best Practice Guidelines for Variant Classification in Rare Disease 2024 v1.2. Collection method: clinical testing. Allele origin: germline. Affected: yes.
Comment: PM4_supporting, PM3_strong, PP4_supporting

Centre de Biologie Pathologie Génétique, Centre Hospitalier Universitaire de Lille
Classification: Pathogenic for Neurodevelopmental delay. Review status: criteria provided, single submitter. Criteria: ACMG Guidelines, 2015. Collection method: clinical testing. Allele origin: biparental. Affected: yes.

NM_001038.6(SCNN1A):c.1579TTC[1] (p.Phe528del)

Gene: SCNN1A (sodium channel epithelial 1 subunit alpha; minus strand). Cytogenetic location: 12p13.31.
Variant type: Microsatellite.
Coding change: c.1579TTC[1] on transcript NM_001038.6 (MANE Select); one copy of the 3-base unit TTC starting at c.1579; the reference has two copies in a row; one copy, 3 bases deleted; also written c.1582_1584del.
Protein change: p.Phe528del; deletes phenylalanine 528.
Molecular consequence: inframe deletion.
Genome position (GRCh38, 1-based): chr12:6,348,772-6,348,774, GAA deleted on the plus strand (TTC on the coding strand, the reverse complement: SCNN1A is on the minus strand); deleting any 3 consecutive bases within chr12:6,348,772-6,348,779 gives the same sequence; the position shown is the placement nearest the transcript's 3' end. VCF-style (leftmost placement, unchanged base first): chr12-6348771-TGAA-T. GRCh37 (hg19) VCF-style: chr12-6457937-TGAA-T.
Other names: c.1648TTC[1], p.Phe551del (NM_001159575.2); c.1756TTC[1], p.Phe587del (NM_001159576.2); c.1582_1584del (NM_001038.6); short protein forms F528del, F551del, F587del.
Identifiers: ClinVar variation 1700120 (VCV001700120.2), dbSNP rs61759913, ClinGen allele CA6405769.